The following is an entry in ClinVar:

NM_005883.3(APC2):c.407G>A (p.Arg136Gln)

Gene: APC2 (APC regulator of Wnt signaling pathway 2; plus strand). Cytogenetic location: 19p13.3.
Variant type: single nucleotide variant.
Coding change: c.407G>A on transcript NM_005883.3 (MANE Select); coding-DNA position 407, G replaced by A.
Protein change: p.Arg136Gln; replaces arginine 136 with glutamine.
Molecular consequence: missense variant.
Genome position (GRCh38, 1-based): chr19:1,453,605, G>A. VCF-style: chr19-1453605-G-A. GRCh37 (hg19) VCF-style: chr19-1453604-G-A.
Other names: c.407G>A, p.Arg136Gln (NM_001351273.1); short protein forms R136Q.
Identifiers: ClinVar variation 2053571 (VCV002053571.6), dbSNP rs751379092, ClinGen allele CA9044710.
Genomic context (GRCh38, chr19:1,453,605, plus strand): 5'-CCAAGGACAGCTTTGGGGAGCTGAGCCGGGCCACCATCCGGCTGCTGGAGGAACTGGACC[G>A]GGAACGGTGAGTGGGCGTGGGAACCCAGCCTCGGGCAGCTGGAGCATGACTCGGTCCCCA-3'
Protein context (NP_005874.1, residues 126-146): ATIRLLEELD[Arg136Gln]ERCFLLNEIE

ClinVar aggregate classification (germline): Uncertain significance. Review status: criteria provided, multiple submitters, no conflicts (2 of 4 stars). 2 submissions from 2 submitters: Uncertain significance (2). Last evaluated 2025-09-01.

Conditions:
Inborn genetic diseases. Identifiers: MedGen C0950123, MeSH D030342.

Allele frequency attached by ClinVar (database versions not stated): ExAC 0.00006; gnomAD 0.00001; gnomAD exomes 0.00005; TOPMed below 0.00001.

Submissions (2):

Ambry Genetics
Classification: Uncertain significance for Inborn genetic diseases. Last evaluated: 2025-09-01. Review status: criteria provided, single submitter. Criteria: Ambry Variant Classification Scheme 2023. Collection method: clinical testing. Allele origin: germline.

Labcorp Genetics (formerly Invitae), Labcorp
Classification: Uncertain significance. Last evaluated: 2022-04-02. Review status: criteria provided, single submitter. Criteria: Invitae Variant Classification Sherloc (09022015). Collection method: clinical testing. Allele origin: germline.
Comment: This sequence change replaces arginine, which is basic and polar, with glutamine, which is neutral and polar, at codon 136 of the APC2 protein (p.Arg136Gln). The frequency data for this variant in the population databases is considered unreliable, as metrics indicate poor data quality at this position in the gnomAD database. This variant has not been reported in the literature in individuals affected with APC2-related conditions. Algorithms developed to predict the effect of missense changes on protein structure and function output the following: SIFT: "Tolerated"; PolyPhen-2: "Benign"; Align-GVGD: "Class C0". The glutamine amino acid residue is found in multiple mammalian species, which suggests that this missense change does not adversely affect protein function. In summary, the available evidence is currently insufficient to determine the role of this variant in disease. Therefore, it has been classified as a Variant of Uncertain Significance.